The following is an entry in ClinVar:

NM_013314.4(BLNK):c.5A>T (p.Asp2Val)

Gene: BLNK (B cell linker; minus strand). Cytogenetic location: 10q24.1.
Variant type: single nucleotide variant.
Coding change: c.5A>T on transcript NM_013314.4 (MANE Select); coding-DNA position 5, A replaced by T.
Protein change: p.Asp2Val; replaces aspartic acid 2 with valine.
Molecular consequence: missense variant. On other transcripts: non-coding transcript variant (4).
Genome position (GRCh38, 1-based): chr10:96,271,394, T>A on the plus strand (A>T on the coding strand, the complement: BLNK is on the minus strand). VCF-style: chr10-96271394-T-A. GRCh37 (hg19) VCF-style: chr10-98031151-T-A.
Other names: c.5A>T, p.Asp2Val (NM_001114094.2, NM_001258440.2, NM_001258441.2 and 1 more transcripts); short protein forms D2V.
Identifiers: ClinVar variation 2763732 (VCV002763732.3), dbSNP rs2493183424, ClinGen allele CA377724036.

ClinVar aggregate classification (germline): Uncertain significance (1 of 4 stars; one submission).

Conditions:
Agammaglobulinemia 4, autosomal recessive (AGM4). Also called: AGAMMAGLOBULINEMIA, AUTOSOMAL RECESSIVE, DUE TO BLNK DEFECT; B cell linker protein deficiency. Identifiers: MedGen C3150752, MONDO:0013289, OMIM 613502.

Submission:

Labcorp Genetics (formerly Invitae), Labcorp
Classification: Uncertain significance for Agammaglobulinemia 4, autosomal recessive. Last evaluated: 2023-09-27. Review status: criteria provided, single submitter. Criteria: Invitae Variant Classification Sherloc (09022015). Collection method: clinical testing. Allele origin: germline.
Comment: In summary, the available evidence is currently insufficient to determine the role of this variant in disease. Therefore, it has been classified as a Variant of Uncertain Significance. This sequence change replaces aspartic acid, which is acidic and polar, with valine, which is neutral and non-polar, at codon 2 of the BLNK protein (p.Asp2Val). This variant is not present in population databases (gnomAD no frequency). This variant has not been reported in the literature in individuals affected with BLNK-related conditions. An algorithm developed to predict the effect of missense changes on protein structure and function (PolyPhen-2) suggests that this variant is likely to be disruptive.